The following is an entry in ClinVar:

ClinVar aggregate classification (germline): Uncertain significance (1 of 4 stars; one submission).

Conditions:
Early-infantile DEE. Also called: Early infantile epileptic encephalopathy; Ohtahara syndrome; Early infantile epileptic encephalopathy with suppression bursts. Identifiers: Orphanet 1934, MedGen C0393706, MONDO:0800491.

Submission:

Labcorp Genetics (formerly Invitae), Labcorp
Classification: Uncertain significance for Early-infantile DEE. Last evaluated: 2019-11-16. Review status: criteria provided, single submitter. Criteria: Invitae Variant Classification Sherloc (09022015). Collection method: clinical testing. Allele origin: germline.
Comment: This variant has not been reported in the literature in individuals with SCN8A-related conditions. This sequence change replaces methionine with valine at codon 961 of the SCN8A protein (p.Met961Val). The methionine residue is highly conserved and there is a small physicochemical difference between methionine and valine. This variant is not present in population databases (ExAC no frequency). Algorithms developed to predict the effect of missense changes on protein structure and function are either unavailable or do not agree on the potential impact of this missense change (SIFT: "Deleterious"; PolyPhen-2: "Possibly Damaging"; Align-GVGD: "Class C0"). In summary, the available evidence is currently insufficient to determine the role of this variant in disease. Therefore, it has been classified as a Variant of Uncertain Significance.

NM_001330260.2(SCN8A):c.2881A>G (p.Met961Val)

Gene: SCN8A (sodium voltage-gated channel alpha subunit 8; plus strand). Cytogenetic location: 12q13.13.
Variant type: single nucleotide variant.
Coding change: c.2881A>G on transcript NM_001330260.2 (MANE Select); coding-DNA position 2881, A replaced by G.
Protein change: p.Met961Val; replaces methionine 961 with valine.
Molecular consequence: missense variant.
Genome position (GRCh38, 1-based): chr12:51,766,007, A>G. VCF-style: chr12-51766007-A-G. GRCh37 (hg19) VCF-style: chr12-52159791-A-G.
Other names: c.2881A>G, p.Met961Val (NM_001177984.3, NM_001369788.1, NM_014191.4); short protein forms M961V.
Identifiers: ClinVar variation 959748 (VCV000959748.10), dbSNP rs1942832105, ClinGen allele CA384889989.